The following is an entry in ClinVar:

ClinVar aggregate classification (germline): Uncertain significance (1 of 4 stars; one submission).

Submission:

Labcorp Genetics (formerly Invitae), Labcorp
Classification: Uncertain significance. Last evaluated: 2021-10-20. Review status: criteria provided, single submitter. Criteria: Invitae Variant Classification Sherloc (09022015). Collection method: clinical testing. Allele origin: germline.
Comment: This sequence change replaces threonine with arginine at codon 337 of the ASNS protein (p.Thr337Arg). The threonine residue is highly conserved and there is a moderate physicochemical difference between threonine and arginine. In summary, the available evidence is currently insufficient to determine the role of this variant in disease. Therefore, it has been classified as a Variant of Uncertain Significance. Advanced modeling of protein sequence and biophysical properties (such as structural, functional, and spatial information, amino acid conservation, physicochemical variation, residue mobility, and thermodynamic stability) performed at Invitae indicates that this missense variant is expected to disrupt ASNS protein function. This variant has not been reported in the literature in individuals affected with ASNS-related conditions. This variant is not present in population databases (ExAC no frequency).

NM_001673.5(ASNS):c.1010C>G (p.Thr337Arg)

Genes: ASNS (asparagine synthetase (glutamine-hydrolyzing); minus strand), CZ1P-ASNS (CZ1P-ASNS readthrough; minus strand). Cytogenetic location: 7q21.3.
Variant type: single nucleotide variant.
Coding change: c.1010C>G on transcript NM_001673.5 (MANE Select); coding-DNA position 1010, C replaced by G.
Protein change: p.Thr337Arg; replaces threonine 337 with arginine.
Molecular consequence: missense variant. On other transcripts: non-coding transcript variant (1).
Genome position (GRCh38, 1-based): chr7:97,856,710, G>C on the plus strand (C>G on the coding strand, the complement: ASNS is on the minus strand). VCF-style: chr7-97856710-G-C. GRCh37 (hg19) VCF-style: chr7-97486022-G-C.
Other names: c.947C>G, p.Thr316Arg (NM_001178075.2); c.761C>G, p.Thr254Arg (NM_001178076.2, NM_001178077.1); c.1010C>G, p.Thr337Arg (NM_001352496.2, NM_133436.3, NM_183356.4); short protein forms T254R, T316R, T337R.
Identifiers: ClinVar variation 1346008 (VCV001346008.6), dbSNP rs2115629142, ClinGen allele CA368266848.